The following is an entry in ClinVar:

NM_000414.4(HSD17B4):c.973G>A (p.Ala325Thr)

Gene: HSD17B4 (hydroxysteroid 17-beta dehydrogenase 4; plus strand). Cytogenetic location: 5q23.1.
Variant type: single nucleotide variant.
Coding change: c.973G>A on transcript NM_000414.4 (MANE Select); coding-DNA position 973, G replaced by A.
Protein change: p.Ala325Thr; replaces alanine 325 with threonine.
Molecular consequence: missense variant. On other transcripts: non-coding transcript variant (2).
Genome position (GRCh38, 1-based): chr5:119,499,317, G>A. VCF-style: chr5-119499317-G-A. GRCh37 (hg19) VCF-style: chr5-118835012-G-A.
Other names: c.1048G>A, p.Ala350Thr (NM_001199291.3); c.919G>A, p.Ala307Thr (NM_001199292.2); c.901G>A, p.Ala301Thr (NM_001292027.2); c.553G>A, p.Ala185Thr (NM_001292028.2); c.964G>A, p.Ala322Thr (NM_001374497.1); c.973G>A, p.Ala325Thr (NM_001374498.1); c.646G>A, p.Ala216Thr (NM_001374499.1); c.532G>A, p.Ala178Thr (NM_001374500.1); and 1 more; short protein forms A178T, A185T, A188T, A216T, A301T, A307T, A322T, A325T.
Identifiers: ClinVar variation 2662633 (VCV002662633.1), dbSNP rs2531741496, ClinGen allele CA360867852.

ClinVar aggregate classification (germline): Uncertain significance (1 of 4 stars; one submission).

gnomAD v4.1: 1 of 1,598,046 alleles (0.000063%); no homozygotes.

Submission:

GeneDx
Classification: Uncertain significance. Last evaluated: 2023-04-11. Review status: criteria provided, single submitter. Criteria: GeneDx Variant Classification Process June 2021. Collection method: clinical testing. Allele origin: germline. Affected: yes.
Comment: Not observed at significant frequency in large population cohorts (gnomAD); In silico analysis supports that this missense variant does not alter protein structure/function; Has not been previously published as pathogenic or benign to our knowledge